The following is an entry in ClinVar:

ClinVar aggregate classification (germline): Uncertain significance (1 of 4 stars; one submission).

gnomAD v4.1: 1 of 1,598,900 alleles (0.000063%); highest among the groups gnomAD compares: Non-Finnish European, 0.000085%; no homozygotes.

Submission:

Labcorp Genetics (formerly Invitae), Labcorp
Classification: Uncertain significance. Last evaluated: 2026-01-09. Review status: criteria provided, single submitter. Criteria: Invitae Variant Classification Sherloc (09022015). Collection method: clinical testing. Allele origin: germline.
Comment: This sequence change replaces alanine, which is neutral and non-polar, with valine, which is neutral and non-polar, at codon 140 of the CHD8 protein (p.Ala140Val). The frequency data for this variant in the population databases is considered unreliable, as metrics indicate poor data quality at this position in the gnomAD database. This variant has not been reported in the literature in individuals affected with CHD8-related conditions. Invitae Evidence Modeling of protein sequence and biophysical properties (such as structural, functional, and spatial information, amino acid conservation, physicochemical variation, residue mobility, and thermodynamic stability) indicates that this missense variant is not expected to disrupt CHD8 protein function with a negative predictive value of 95%. In summary, the available evidence is currently insufficient to determine the role of this variant in disease. Therefore, it has been classified as a Variant of Uncertain Significance.

NM_001170629.2(CHD8):c.419C>T (p.Ala140Val)

Gene: CHD8 (chromodomain helicase DNA binding protein 8; minus strand). Cytogenetic location: 14q11.2.
Variant type: single nucleotide variant.
Coding change: c.419C>T on transcript NM_001170629.2 (MANE Select); coding-DNA position 419, C replaced by T.
Protein change: p.Ala140Val; replaces alanine 140 with valine.
Molecular consequence: missense variant. On other transcripts: intron variant (1).
Genome position (GRCh38, 1-based): chr14:21,431,225, G>A on the plus strand (C>T on the coding strand, the complement: CHD8 is on the minus strand). VCF-style: chr14-21431225-G-A. GRCh37 (hg19) VCF-style: chr14-21899384-G-A.
Other names: c.6+586C>T (NM_020920.4); short protein forms A140V.
Identifiers: ClinVar variation 4746951 (VCV004746951.1).
Genomic context (GRCh38, chr14:21,431,225, plus strand): 5'-ACAATCTTAGGGGCTGACTGAGGTGGCTGCCCTCCAGCACTACTGGAGGAGACAGCTGTG[G>A]CAGAGACACCCATGAAAGGATTCCCTTGGCTCAGGATCTCCTGGCTCTTGGAGACTTGCA-3'
Protein context (NP_001164100.1, residues 130-150): SQGNPFMGVS[Ala140Val]TAVSSSSAGG